The following is an entry in ClinVar:

ClinVar aggregate classification (germline): Uncertain significance (1 of 4 stars; one submission).

Allele frequency attached by ClinVar (database versions not stated): gnomAD exomes below 0.00001; TOPMed 0.00002; gnomAD 0.00003.
gnomAD v4.1: 5 of 1,599,706 alleles (0.00031%); highest among the groups gnomAD compares: African/African-American, 0.0055%; no homozygotes.

Submission:

Labcorp Genetics (formerly Invitae), Labcorp
Classification: Uncertain significance. Last evaluated: 2022-05-28. Review status: criteria provided, single submitter. Criteria: Invitae Variant Classification Sherloc (09022015). Collection method: clinical testing. Allele origin: germline.
Comment: This variant is present in population databases (no rsID available, gnomAD 0.02%). This sequence change replaces leucine, which is neutral and non-polar, with serine, which is neutral and polar, at codon 100 of the COX20 protein (p.Leu100Ser). This variant has not been reported in the literature in individuals affected with COX20-related conditions. In summary, the available evidence is currently insufficient to determine the role of this variant in disease. Therefore, it has been classified as a Variant of Uncertain Significance. Algorithms developed to predict the effect of missense changes on protein structure and function (SIFT, PolyPhen-2, Align-GVGD) all suggest that this variant is likely to be disruptive.

NM_198076.6(COX20):c.299T>C (p.Leu100Ser)

Gene: COX20 (cytochrome c oxidase assembly factor COX20; plus strand). Cytogenetic location: 1q44.
Variant type: single nucleotide variant.
Coding change: c.299T>C on transcript NM_198076.6 (MANE Select); coding-DNA position 299, T replaced by C.
Protein change: p.Leu100Ser; replaces leucine 100 with serine.
Molecular consequence: missense variant. On other transcripts: 3 prime UTR variant (1), non-coding transcript variant (3).
Genome position (GRCh38, 1-based): chr1:244,843,118, T>C. VCF-style: chr1-244843118-T-C. GRCh37 (hg19) VCF-style: chr1-245006420-T-C.
Other names: c.299T>C, p.Leu100Ser (NM_001312871.1); c.335T>C, p.Leu112Ser (NM_001312872.1); c.164T>C, p.Leu55Ser (NM_001312873.1); c.*109T>C (NM_001312874.1); short protein forms L112S, L100S, L55S.
Identifiers: ClinVar variation 2081962 (VCV002081962.2), dbSNP rs889035347, ClinGen allele CA40492641.